The following is an entry in ClinVar:

ClinVar aggregate classification (germline): Benign/Likely benign. Review status: criteria provided, multiple submitters, no conflicts (2 of 4 stars). 5 submissions from 5 submitters: Benign (1); Likely benign (4). Last evaluated 2025-08-18.

Conditions:
Hereditary cancer-predisposing syndrome. Also called: Hereditary Cancer Syndrome; Neoplastic Syndromes, Hereditary; Tumor predisposition; Hereditary neoplastic syndrome. Identifiers: Orphanet 140162, MedGen C0027672, MeSH D009386, MONDO:0015356.
Lynch syndrome. Identifiers: Orphanet 144, MedGen C4552100, MONDO:0005835. Disease mechanism: loss of function.
Lynch syndrome 4 (LYNCH4). Also called: Colorectal cancer, hereditary nonpolyposis, type 4; Hereditary non-polyposis colorectal cancer, type 4. Identifiers: Orphanet 144, MedGen C1838333, MONDO:0013699, OMIM 614337. Disease mechanism: loss of function.
Hereditary nonpolyposis colorectal neoplasms. Identifiers: MedGen C0009405, MeSH D003123.

Submissions (5):

Labcorp Genetics (formerly Invitae), Labcorp
Classification: Likely benign for Hereditary nonpolyposis colorectal neoplasms. Last evaluated: 2025-08-18. Review status: criteria provided, single submitter. Criteria: Invitae Variant Classification Sherloc (09022015). Collection method: clinical testing. Allele origin: germline.

Myriad Genetics, Inc.
Classification: Benign for Lynch syndrome 4. Last evaluated: 2025-01-30. Review status: criteria provided, single submitter. Criteria: Myriad Autosomal Dominant, Autosomal Recessive and X-Linked Classification Criteria (2023). Collection method: clinical testing. Allele origin: unknown.
Comment: This variant is considered benign. This variant is a silent/synonymous amino acid change and it is not expected to impact splicing.

All of Us Research Program, National Institutes of Health
Classification: Likely benign for Lynch syndrome. Last evaluated: 2024-03-24. Review status: criteria provided, single submitter. Criteria: ACMG Guidelines, 2015. Collection method: clinical testing. Allele origin: germline. Inheritance: Autosomal dominant inheritance. Observed: 1 variant allele, 1 heterozygote.
Comment: This study involves interpretation of variants in research participants for the purpose of population health screening. Participant phenotype was not available at the time of variant classification. Additional details can be found in publication PMID: 35346344, PMCID: PMC8962531

Color Diagnostics, LLC DBA Color Health
Classification: Likely benign for Hereditary cancer-predisposing syndrome. Last evaluated: 2020-11-24. Review status: criteria provided, single submitter. Criteria: ACMG Guidelines, 2015. Collection method: clinical testing. Allele origin: germline.

Ambry Genetics
Classification: Likely benign for Hereditary cancer-predisposing syndrome. Last evaluated: 2016-04-29. Review status: criteria provided, single submitter. Criteria: Ambry Variant Classification Scheme 2023. Collection method: clinical testing. Allele origin: germline.

NM_000535.7(PMS2):c.1233A>G (p.Glu411=)

Gene: PMS2 (PMS1 homolog 2, mismatch repair system component; minus strand). Cytogenetic location: 7p22.1.
Variant type: single nucleotide variant.
Coding change: c.1233A>G on transcript NM_000535.7 (MANE Select); coding-DNA position 1233, A replaced by G.
Protein change: p.Glu411=; no amino-acid change (glutamic acid 411 retained).
Molecular consequence: synonymous variant. On other transcripts: non-coding transcript variant (1).
Genome position (GRCh38, 1-based): chr7:5,987,532, T>C on the plus strand (A>G on the coding strand, the complement: PMS2 is on the minus strand). VCF-style: chr7-5987532-T-C. GRCh37 (hg19) VCF-style: chr7-6027163-T-C.
Other names: c.828A>G, p.Glu276= (NM_001322003.2, NM_001322004.2, NM_001322005.2 and 1 more transcripts); c.1077A>G, p.Glu359= (NM_001322006.2); c.915A>G, p.Glu305= (NM_001322007.2, NM_001322008.2); c.672A>G, p.Glu224= (NM_001322010.2); c.300A>G, p.Glu100= (NM_001322011.2, NM_001322012.2); c.660A>G, p.Glu220= (NM_001322013.2); c.1233A>G, p.Glu411= (NM_001322014.2); c.924A>G, p.Glu308= (NM_001322015.2).
Identifiers: ClinVar variation 480326 (VCV000480326.20), dbSNP rs587780040, ClinGen allele CA453748384.